The following is an entry in ClinVar:

ClinVar aggregate classification (germline): Pathogenic (1 of 4 stars; one submission).

Conditions:
Hereditary cancer-predisposing syndrome. Also called: Neoplastic Syndromes, Hereditary; Tumor predisposition; Hereditary Cancer Syndrome; Hereditary neoplastic syndrome. Identifiers: Orphanet 140162, MedGen C0027672, MeSH D009386, MONDO:0015356.

Submission:

Ambry Genetics
Classification: Pathogenic for Hereditary cancer-predisposing syndrome. Last evaluated: 2021-08-05. Review status: criteria provided, single submitter. Criteria: Ambry Variant Classification Scheme 2023. Collection method: clinical testing. Allele origin: germline.
Comment: The c.1046delA pathogenic mutation, located in coding exon 9 of the CHEK2 gene, results from a deletion of one nucleotide at nucleotide position 1046, causing a translational frameshift with a predicted alternate stop codon (p.K349Sfs*16). This alteration is expected to result in loss of function by premature protein truncation or nonsense-mediated mRNA decay. As such, this alteration is interpreted as a disease-causing mutation.

NM_007194.4(CHEK2):c.1046del (p.Lys349fs)

Gene: CHEK2 (checkpoint kinase 2; minus strand). Cytogenetic location: 22q12.1.
Variant type: Deletion.
Coding change: c.1046del on transcript NM_007194.4 (MANE Select); coding-DNA position 1046, one base deleted (A; older notation c.1046delA).
Protein change: p.Lys349fs; shifts the reading frame from lysine 349.
Molecular consequence: frameshift variant. On other transcripts: intron variant (3).
Genome position (GRCh38, 1-based): chr22:28,696,950, T deleted on the plus strand (A on the coding strand, the reverse complement: CHEK2 is on the minus strand); the first of 3 consecutive T bases (chr22:28,696,950-28,696,952); deleting any one gives the same sequence. VCF-style (leftmost placement, unchanged base first): chr22-28696949-CT-C. GRCh37 (hg19) VCF-style: chr22-29092937-CT-C.
Other names: c.1175del, p.Lys392fs (NM_001005735.3); c.383del, p.Lys128fs (NM_001257387.3, NM_001437942.1); c.845del, p.Lys282fs (NM_001349956.3); c.1139del, p.Lys380fs (NM_001438293.1); c.1009-1077del (NM_145862.3); c.1102-1077del (NM_001438295.1); c.1138-1077del (NM_001438294.1); short protein forms K282fs, K128fs, K392fs, K349fs, K380fs.
Identifiers: ClinVar variation 1775525 (VCV001775525.2), dbSNP rs2145817185, ClinGen allele CA2580099566.